The following is an entry in ClinVar:

ClinVar aggregate classification (germline): Uncertain significance (0 of 4 stars; one submission).

Conditions:
SEMA3E-related disorder. Also called: SEMA3E-related condition.

Submission:

PreventionGenetics, part of Exact Sciences
Classification: Uncertain significance for SEMA3E-related condition. Last evaluated: 2023-12-04. Review status: no assertion criteria provided. Collection method: clinical testing. Allele origin: germline.
Comment: The SEMA3E c.720T>G variant is predicted to result in the amino acid substitution p.Asp240Glu. To our knowledge, this variant has not been reported in the literature or in a large population database, indicating this variant is rare. At this time, the clinical significance of this variant is uncertain due to the absence of conclusive functional and genetic evidence.

NM_012431.3(SEMA3E):c.720T>G (p.Asp240Glu)

Gene: SEMA3E (semaphorin 3E; minus strand). Cytogenetic location: 7q21.11.
Variant type: single nucleotide variant.
Coding change: c.720T>G on transcript NM_012431.3 (MANE Select); coding-DNA position 720, T replaced by G.
Protein change: p.Asp240Glu; replaces aspartic acid 240 with glutamic acid.
Molecular consequence: missense variant.
Genome position (GRCh38, 1-based): chr7:83,407,190, A>C on the plus strand (T>G on the coding strand, the complement: SEMA3E is on the minus strand). VCF-style: chr7-83407190-A-C. GRCh37 (hg19) VCF-style: chr7-83036506-A-C.
Other names: c.540T>G, p.Asp180Glu (NM_001178129.2); short protein forms D180E, D240E.
Identifiers: ClinVar variation 2635581 (VCV002635581.3), dbSNP rs2484321067, ClinGen allele CA367930353.
Genomic context (GRCh38, chr7:83,407,190, plus strand): 5'-GTGAGCATTGTTTTCTGCCTCCAGTGCCTTCTCAGTAAAAAAGAAATATACTTTGTTGTC[A>C]TCTCTGTCTTCATTGTCAGGAATCATGTATGAACCTACAAATTTTGGTTCTATAGGAGCA-3'
Protein context (NP_036563.1, residues 230-250): SYMIPDNEDR[Asp240Glu]DNKVYFFFTE